The following is an entry in ClinVar:

ClinVar aggregate classification (germline): Uncertain significance. Review status: criteria provided, multiple submitters, no conflicts (2 of 4 stars). 2 submissions from 2 submitters: Uncertain significance (2). Last evaluated 2025-06-17.

Conditions:
Ellis-van Creveld syndrome (EVC). Also called: Chondroectodermal dysplasia; MESOECTODERMAL DYSPLASIA; EVC-Related Ellis-van Creveld Syndrome; EVC2-Related Ellis-van Creveld Syndrome. Identifiers: Orphanet 289, MedGen C0013903, MONDO:0009162, OMIM 225500.
Curry-Hall syndrome (WAD). Also called: WEYERS ACRODENTAL DYSOSTOSIS. Identifiers: Orphanet 952, MedGen C0457013, MONDO:0008673, OMIM 193530.
Inborn genetic diseases. Identifiers: MedGen C0950123, MeSH D030342.

Allele frequency attached by ClinVar (database versions not stated): TOPMed 0.00002; gnomAD 0.00003.
gnomAD v4.1: 19 of 1,478,210 alleles (0.0013%); highest among the groups gnomAD compares: Middle Eastern, 0.018%; no homozygotes.

Submissions (2):

Ambry Genetics
Classification: Uncertain significance for Inborn genetic diseases. Last evaluated: 2025-06-17. Review status: criteria provided, single submitter. Criteria: Ambry Variant Classification Scheme 2023. Collection method: clinical testing. Allele origin: germline.

Labcorp Genetics (formerly Invitae), Labcorp
Classification: Uncertain significance for Curry-Hall syndrome; Ellis-van Creveld syndrome. Last evaluated: 2022-10-18. Review status: criteria provided, single submitter. Criteria: Invitae Variant Classification Sherloc (09022015). Collection method: clinical testing. Allele origin: germline.
Comment: This sequence change replaces glycine, which is neutral and non-polar, with alanine, which is neutral and non-polar, at codon 59 of the EVC2 protein (p.Gly59Ala). This variant is present in population databases (rs535274320, gnomAD 0.1%). This variant has not been reported in the literature in individuals affected with EVC2-related conditions. Algorithms developed to predict the effect of missense changes on protein structure and function are either unavailable or do not agree on the potential impact of this missense change (SIFT: "Deleterious"; PolyPhen-2: "Benign"; Align-GVGD: "Class C0"). In summary, the available evidence is currently insufficient to determine the role of this variant in disease. Therefore, it has been classified as a Variant of Uncertain Significance.

NM_147127.5(EVC2):c.176G>C (p.Gly59Ala)

Gene: EVC2 (EvC ciliary complex subunit 2; minus strand). Cytogenetic location: 4p16.2.
Variant type: single nucleotide variant.
Coding change: c.176G>C on transcript NM_147127.5 (MANE Select); coding-DNA position 176, G replaced by C.
Protein change: p.Gly59Ala; replaces glycine 59 with alanine.
Molecular consequence: missense variant. On other transcripts: intron variant (1).
Genome position (GRCh38, 1-based): chr4:5,708,338, C>G on the plus strand (G>C on the coding strand, the complement: EVC2 is on the minus strand). VCF-style: chr4-5708338-C-G. GRCh37 (hg19) VCF-style: chr4-5710065-C-G.
Other names: c.-13+491G>C (NM_001166136.2); c.176G>C (NM_147127.4); short protein forms G59A.
Identifiers: ClinVar variation 2051642 (VCV002051642.2), dbSNP rs535274320, ClinGen allele CA91731492.